The following is an entry in ClinVar:

ClinVar aggregate classification (germline): Conflicting classifications of pathogenicity. Review status: criteria provided, conflicting classifications (1 of 4 stars). 2 submissions from 2 submitters: Uncertain significance (1); Likely benign (1). Last evaluated 2024-01-25.

Conditions:
ROBO2-related disorder. Also called: ROBO2-related condition.
Vesicoureteral reflux 2 (VUR2). Identifiers: Orphanet 289365, MedGen C1970483, MONDO:0012573, OMIM 610878.

Allele frequency attached by ClinVar (database versions not stated): gnomAD exomes 0.00001; ExAC 0.00002.
gnomAD v4.1: 17 of 1,611,562 alleles (0.0011%); highest among the groups gnomAD compares: East Asian, 0.0089%; no homozygotes.

Submissions (2):

Fulgent Genetics
Classification: Likely benign for Vesicoureteral reflux 2. Last evaluated: 2024-01-25. Review status: criteria provided, single submitter. Criteria: ACMG Guidelines, 2015. Collection method: clinical testing. Allele origin: germline.

PreventionGenetics, part of Exact Sciences
Classification: Uncertain significance for ROBO2-related condition. Last evaluated: 2023-06-27. Review status: criteria provided, single submitter. Criteria: ACMG Guidelines, 2015. Collection method: clinical testing. Allele origin: germline.
Comment: The ROBO2 c.1484G>A variant is predicted to result in the amino acid substitution p.Arg495Gln. To our knowledge, this variant has not been reported in the literature. This variant is reported in 0.017% of alleles in individuals of East Asian descent in gnomAD. At this time, the clinical significance of this variant is uncertain due to the absence of conclusive functional and genetic evidence.

NM_001395656.1(ROBO2):c.1448G>A (p.Arg483Gln)

Gene: ROBO2 (roundabout guidance receptor 2; plus strand). Cytogenetic location: 3p12.3.
Variant type: single nucleotide variant.
Coding change: c.1448G>A on transcript NM_001395656.1 (MANE Select); coding-DNA position 1448, G replaced by A.
Protein change: p.Arg483Gln; replaces arginine 483 with glutamine.
Molecular consequence: missense variant. On other transcripts: 5 prime UTR variant (1).
Genome position (GRCh38, 1-based): chr3:77,558,148, G>A. VCF-style: chr3-77558148-G-A. GRCh37 (hg19) VCF-style: chr3-77607299-G-A.
Other names: c.1517G>A, p.Arg506Gln (NM_001378192.1, NM_001378194.1, NM_001378199.1 and 2 more transcripts); c.1436G>A, p.Arg479Gln (NM_001378193.1, NM_002942.5, NM_001378197.1); c.1496G>A, p.Arg499Gln (NM_001378203.1, NM_001378200.1, NM_001378195.1 and 4 more transcripts); c.1505G>A, p.Arg502Gln (NM_001394212.1, NM_001395657.1, NM_001394214.1); c.1448G>A, p.Arg483Gln (NM_001378202.1, NM_001290039.2, NM_001290040.2); c.1484G>A, p.Arg495Gln (NM_001128929.3); c.-483G>A (NM_001290065.2); short protein forms R479Q, R483Q, R495Q, R499Q, R502Q, R506Q.
Identifiers: ClinVar variation 2636818 (VCV002636818.2), dbSNP rs746150931, ClinGen allele CA2497044.
Genomic context (GRCh38, chr3:77,558,148, plus strand): 5'-CGGGTAGAGATCCAAGAGCAACAATTCAAGAGCAAGGCACACTGCAGATTAAGAATTTAC[G>A]GGTAAGTAATATTGGACTTGTACATGAATTATCATCTACACATAAGTACTGCTCTATGGA-3'
Protein context (NP_001382585.1, residues 473-493): EQGTLQIKNL[Arg483Gln]ISDTGTYTCV